The following is an entry in ClinVar:

ClinVar aggregate classification (germline): Uncertain significance (1 of 4 stars; one submission).

Submission:

ISCA site 4
Classification: Uncertain significance. Last evaluated: 2011-08-12. Review status: criteria provided, single submitter. Criteria: Kaminsky et al. (Genet Med. 2011). Collection method: clinical testing. Allele origin: unknown. Affected: yes. Observed: 1 variant allele.
Comment: Copy number variation identified through the course of routine clinical cytogenomic testing in postnatal populations. Clinical assertions have been curated as described in Kaminsky et al. 2011.

GRCh38/hg38 4q35.2(chr4:189128061-189975519)x1

Genes: FRG1 (FSHD region gene 1; plus strand), FRG1-DT (FRG1 divergent transcript; minus strand), LINC01262 (long intergenic non-protein coding RNA 1262; plus strand), LINC01596 (long intergenic non-protein coding RNA 1596; plus strand), LOC123493254 (Sharpr-MPRA regulatory region 651; plus strand) and 7 more. Cytogenetic location: 4q35.2.
Variant type: copy number loss.
Change: copy number 1 (one copy instead of two) of chr4:189,128,061-189,975,519 (847.5 kb, GRCh38 coordinates, 1-based), cytogenetic band 4q35.2.
Identifiers: ClinVar variation 57109 (VCV000057109.1).